The following is an entry in ClinVar:

NM_000921.5(PDE3A):c.2728C>G (p.Leu910Val)

Gene: PDE3A (phosphodiesterase 3A; plus strand). Cytogenetic location: 12p12.2.
Variant type: single nucleotide variant.
Coding change: c.2728C>G on transcript NM_000921.5 (MANE Select); coding-DNA position 2728, C replaced by G.
Protein change: p.Leu910Val; replaces leucine 910 with valine.
Molecular consequence: missense variant.
Genome position (GRCh38, 1-based): chr12:20,648,850, C>G. VCF-style: chr12-20648850-C-G. GRCh37 (hg19) VCF-style: chr12-20801784-C-G.
Other names: c.1762C>G, p.Leu588Val (NM_001244683.2, NM_001378409.1); c.2422C>G, p.Leu808Val (NM_001378407.1); c.1765C>G, p.Leu589Val (NM_001378408.1); short protein forms L808V, L910V, L589V, L588V.
Identifiers: ClinVar variation 3572621 (VCV003572621.1).

ClinVar aggregate classification (germline): Uncertain significance (1 of 4 stars; one submission).

Submission:

GeneDx
Classification: Uncertain significance. Last evaluated: 2024-07-10. Review status: criteria provided, single submitter. Criteria: GeneDx Variant Classification Process June 2021. Collection method: clinical testing. Allele origin: germline. Affected: yes.
Comment: Not observed at significant frequency in large population cohorts (gnomAD); In silico analysis supports that this missense variant has a deleterious effect on protein structure/function; Has not been previously published as pathogenic or benign to our knowledge